The following is an entry in ClinVar:

ClinVar aggregate classification (germline): other (0 of 4 stars; one submission).

Conditions:
Familial colorectal cancer. Identifiers: MedGen CN280943, MONDO:0023113. Disease mechanism: loss of function.

Submission:

Systems Biology Platform Zhejiang California International NanoSystems Institute
Classification: other for Familial colorectal cancer. Review status: no assertion criteria provided. Collection method: not provided. Allele origin: unknown.
ClinVar note: Converted during submission from cancer to other.

NM_000038.6(APC):c.-19+7206G>T

Gene: APC (APC regulator of WNT signaling pathway; plus strand). Cytogenetic location: 5q22.2.
Variant type: single nucleotide variant.
Coding change: c.-19+7206G>T on transcript NM_000038.6 (MANE Select); 7206 bases into the intron after 19 bases upstream of the start codon, G replaced by T.
Molecular consequence: intron variant.
Genome position (GRCh38, 1-based): chr5:112,745,131, G>T. VCF-style: chr5-112745131-G-T. GRCh37 (hg19) VCF-style: chr5-112080828-G-T.
Other names: c.-18-9742G>T (NM_001354895.2); c.166-21195G>T (NM_001354897.2, NM_001354902.2, NM_001127511.3); c.-19+6671G>T (NM_001127510.3); c.60+6671G>T (NM_001354898.2, NM_001354904.2); c.-1054+7206G>T (NM_001354906.2); c.-19+7206G>T (NM_001354896.2, NM_001354903.2, NM_001354899.2); c.-43+7206G>T (NM_001354900.2, NM_001354901.2, NM_001354905.2).
Identifiers: ClinVar variation 82772 (VCV000082772.2), dbSNP rs77054573, ClinGen allele CA006989.